The following is an entry in ClinVar:

ClinVar aggregate classification (germline): Likely pathogenic (1 of 4 stars; one submission).

Conditions:
Ellis-van Creveld syndrome (EVC). Also called: EVC-Related Ellis-van Creveld Syndrome; EVC2-Related Ellis-van Creveld Syndrome; MESOECTODERMAL DYSPLASIA; Chondroectodermal dysplasia. Identifiers: Orphanet 289, MedGen C0013903, MONDO:0009162, OMIM 225500.

Submission:

Myriad Genetics, Inc.
Classification: Likely pathogenic for Ellis-van Creveld syndrome. Last evaluated: 2021-12-30. Review status: criteria provided, single submitter. Criteria: Myriad Women's Health Autosomal Recessive and X-Linked Classification Criteria (2021). Collection method: clinical testing. Allele origin: unknown.
Comment: NM_153717.2(EVC):c.26delA(K9Rfs*107) is expected to be pathogenic in the context of EVC-related Ellis-van Creveld syndrome. This variant is predicted to lead to an abnormal or absent protein product due to the creation of a premature termination codon in EVC, a gene where loss-of-function variants are known to be pathogenic. Please note: this variant was assessed in the context of healthy population screening.

NM_153717.3(EVC):c.26del (p.Lys9fs)

Genes: EVC (EvC ciliary complex subunit 1; plus strand), LOC129992144 (ATAC-STARR-seq lymphoblastoid silent region 15223; plus strand). Cytogenetic location: 4p16.2.
Variant type: Deletion.
Coding change: c.26del on transcript NM_153717.3 (MANE Select); coding-DNA position 26, one base deleted (A; older notation c.26delA).
Protein change: p.Lys9fs; shifts the reading frame from lysine 9.
Molecular consequence: frameshift variant.
Genome position (GRCh38, 1-based): chr4:5,711,406, A deleted; the last of 2 consecutive A bases (chr4:5,711,405-5,711,406); deleting either gives the same sequence. VCF-style (leftmost placement, unchanged base first): chr4-5711404-CA-C. GRCh37 (hg19) VCF-style: chr4-5713131-CA-C.
Other names: c.26del, p.Lys9fs (NM_001306090.2, NM_001306092.2); short protein forms K9fs.
Identifiers: ClinVar variation 1726659 (VCV001726659.2), dbSNP rs2474192025, ClinGen allele CA2580070790.